The following is an entry in ClinVar:

ClinVar aggregate classification (germline): Uncertain significance (1 of 4 stars; one submission).

Submission:

Labcorp Genetics (formerly Invitae), Labcorp
Classification: Uncertain significance. Last evaluated: 2024-10-15. Review status: criteria provided, single submitter. Criteria: Invitae Variant Classification Sherloc (09022015). Collection method: clinical testing. Allele origin: germline.
Comment: This sequence change replaces tyrosine, which is neutral and polar, with cysteine, which is neutral and slightly polar, at codon 478 of the CLCN5 protein (p.Tyr478Cys). This variant is not present in population databases (gnomAD no frequency). This variant has not been reported in the literature in individuals affected with CLCN5-related conditions. ClinVar contains an entry for this variant (Variation ID: 1504567). An algorithm developed to predict the effect of missense changes on protein structure and function (PolyPhen-2) suggests that this variant is likely to be disruptive. In summary, the available evidence is currently insufficient to determine the role of this variant in disease. Therefore, it has been classified as a Variant of Uncertain Significance.

NM_001127898.4(CLCN5):c.1643A>G (p.Tyr548Cys)

Gene: CLCN5 (chloride voltage-gated channel 5; plus strand). Cytogenetic location: Xp11.23.
Variant type: single nucleotide variant.
Coding change: c.1643A>G on transcript NM_001127898.4 (MANE Select); coding-DNA position 1643, A replaced by G.
Protein change: p.Tyr548Cys; replaces tyrosine 548 with cysteine.
Molecular consequence: missense variant.
Genome position (GRCh38, 1-based): chrX:50,088,783, A>G. VCF-style: chrX-50088783-A-G. GRCh37 (hg19) VCF-style: chrX-49853440-A-G.
Other names: c.1433A>G, p.Tyr478Cys (NM_000084.5); c.1643A>G, p.Tyr548Cys (NM_001127899.4); c.1493A>G, p.Tyr498Cys (NM_001282163.2); short protein forms Y478C, Y498C, Y548C.
Identifiers: ClinVar variation 1504567 (VCV001504567.6), dbSNP rs2147601534, ClinGen allele CA413188109.